The following is an entry in ClinVar:

ClinVar aggregate classification (germline): Likely benign (1 of 4 stars; one submission).

Conditions:
SCAPER-related disorder. Also called: SCAPER-related condition.

gnomAD v4.1: 16 of 1,613,558 alleles (0.00099%); highest among the groups gnomAD compares: Non-Finnish European, 0.0013%; no homozygotes.

Submission:

PreventionGenetics, part of Exact Sciences
Classification: Likely benign for SCAPER-related condition. Last evaluated: 2025-09-03. Review status: criteria provided, single submitter. Criteria: ACMG Guidelines, 2015. Collection method: clinical testing. Allele origin: germline.
Comment: This variant is classified as likely benign based on ACMG/AMP sequence variant interpretation guidelines (Richards et al. 2015 PMID: 25741868, with internal and published modifications).

NM_020843.4(SCAPER):c.2424T>C (p.Phe808=)

Gene: SCAPER (S-phase cyclin A associated protein in the ER; minus strand). Cytogenetic location: 15q24.3.
Variant type: single nucleotide variant.
Coding change: c.2424T>C on transcript NM_020843.4 (MANE Select); coding-DNA position 2424, T replaced by C.
Protein change: p.Phe808=; no amino-acid change (phenylalanine 808 retained).
Molecular consequence: synonymous variant. On other transcripts: non-coding transcript variant (1).
Genome position (GRCh38, 1-based): chr15:76,701,842, A>G on the plus strand (T>C on the coding strand, the complement: SCAPER is on the minus strand). VCF-style: chr15-76701842-A-G. GRCh37 (hg19) VCF-style: chr15-76994183-A-G.
Other names: c.1686T>C, p.Phe562= (NM_001145923.2); c.2442T>C, p.Phe814= (NM_001353009.2); c.2022T>C, p.Phe674= (NM_001353010.2, NM_001353012.2); c.2040T>C, p.Phe680= (NM_001353011.2).
Identifiers: ClinVar variation 4983050 (VCV004983050.1).